The following is an entry in ClinVar:

NM_002206.3(ITGA7):c.414+182T>C

Gene: ITGA7 (integrin subunit alpha 7; minus strand). Cytogenetic location: 12q13.2.
Variant type: single nucleotide variant.
Coding change: c.414+182T>C on transcript NM_002206.3 (MANE Select); 182 bases into the intron after coding-DNA position 414, T replaced by C.
Molecular consequence: intron variant.
Genome position (GRCh38, 1-based): chr12:55,702,690, A>G on the plus strand (T>C on the coding strand, the complement: ITGA7 is on the minus strand). VCF-style: chr12-55702690-A-G. GRCh37 (hg19) VCF-style: chr12-56096474-A-G.
Other names: c.86-1274T>C (NM_001144997.2); c.75+182T>C (NM_001367993.1, NM_001414035.1); c.414+182T>C (NM_001414033.1, NM_001414032.1, NM_001414031.1 and 6 more transcripts); c.-759+182T>C (NM_001367994.1).
Identifiers: ClinVar variation 682005 (VCV000682005.1), dbSNP rs7970844, ClinGen allele CA15725960.
Genomic context (GRCh38, chr12:55,702,690, plus strand): 5'-GATGCTTAAAAGGTTCTCAGTAAGAGTTTGACAAATGGATGGATGAATGAATGGACAGAC[A>G]TTTTTACATTTATAAGGACAAGGACCATGTCTCACACCTTTTTATATCTCCCTGATGTAC-3'

ClinVar aggregate classification (germline): Benign (1 of 4 stars; one submission).

Allele frequency attached by ClinVar (database versions not stated): gnomAD 0.49523 and 0.50957; TOPMed 0.49603; gnomAD exomes 0.57257; 1000 Genomes Project 30x 0.59853; 1000 Genomes Project 0.61042.
gnomAD v4.1: 360,203 of 647,302 alleles (56%); highest among the groups gnomAD compares: East Asian, 94%; 105,962 homozygotes.

Submission:

GeneDx
Classification: Benign. Last evaluated: 2018-06-14. Review status: criteria provided, single submitter. Criteria: GeneDx Variant Classification (06012015). Collection method: clinical testing. Allele origin: germline. Affected: yes.
Comment: This variant is considered likely benign or benign based on one or more of the following criteria: it is a conservative change, it occurs at a poorly conserved position in the protein, it is predicted to be benign by multiple in silico algorithms, and/or has population frequency not consistent with disease.